The following is an entry in ClinVar:

ClinVar aggregate classification (germline): Pathogenic (1 of 4 stars; one submission).

Submission:

Labcorp Genetics (formerly Invitae), Labcorp
Classification: Pathogenic. Last evaluated: 2025-11-18. Review status: criteria provided, single submitter. Criteria: Invitae Variant Classification Sherloc (09022015). Collection method: clinical testing. Allele origin: germline.
Comment: This sequence change creates a premature translational stop signal (p.Leu180Argfs*6) in the SPTB gene. It is expected to result in an absent or disrupted protein product. Loss-of-function variants in SPTB are known to be pathogenic (PMID: 1391962, 1498324, 8844207, 26830532, 27292444). This variant is not present in population databases (gnomAD no frequency). This variant has not been reported in the literature in individuals affected with SPTB-related conditions. For these reasons, this variant has been classified as Pathogenic.

Literature cited by the submitters: PubMed 1391962; PubMed 1498324; PubMed 8844207; PubMed 26830532; PubMed 27292444.

NM_001355436.2(SPTB):c.539del (p.Leu180fs)

Gene: SPTB (spectrin beta, erythrocytic; minus strand). Cytogenetic location: 14q23.3.
Variant type: Deletion.
Coding change: c.539del on transcript NM_001355436.2 (MANE Select); coding-DNA position 539, one base deleted (T; older notation c.539delT).
Protein change: p.Leu180fs; shifts the reading frame from leucine 180.
Molecular consequence: frameshift variant.
Genome position (GRCh38, 1-based): chr14:64,802,253, A deleted on the plus strand (T on the coding strand, the reverse complement: SPTB is on the minus strand). VCF-style (leftmost placement, unchanged base first): chr14-64802252-CA-C. GRCh37 (hg19) VCF-style: chr14-65268970-CA-C.
Other names: c.539del, p.Leu180fs (NM_001024858.4, NM_001355437.2); short protein forms L180fs.
Identifiers: ClinVar variation 4731502 (VCV004731502.1).